The following is an entry in ClinVar:

ClinVar aggregate classification (germline): Uncertain significance (1 of 4 stars; one submission).

Allele frequency attached by ClinVar (database versions not stated): ExAC 0.00001; gnomAD 0.00001; ESP Exome Variant Server 0.00008; gnomAD exomes below 0.00001.
gnomAD v4.1: 6 of 1,614,004 alleles (0.00037%); highest among the groups gnomAD compares: Non-Finnish European, 0.00051%; no homozygotes.

Submission:

Labcorp Genetics (formerly Invitae), Labcorp
Classification: Uncertain significance. Last evaluated: 2025-03-28. Review status: criteria provided, single submitter. Criteria: Invitae Variant Classification Sherloc (09022015). Collection method: clinical testing. Allele origin: germline.
Comment: This sequence change replaces glutamic acid, which is acidic and polar, with lysine, which is basic and polar, at codon 1634 of the C3 protein (p.Glu1634Lys). This variant is not present in population databases (gnomAD no frequency). This variant has not been reported in the literature in individuals affected with C3-related conditions. ClinVar contains an entry for this variant (Variation ID: 1959092). Invitae Evidence Modeling of protein sequence and biophysical properties (such as structural, functional, and spatial information, amino acid conservation, physicochemical variation, residue mobility, and thermodynamic stability) indicates that this missense variant is not expected to disrupt C3 protein function with a negative predictive value of 80%. In summary, the available evidence is currently insufficient to determine the role of this variant in disease. Therefore, it has been classified as a Variant of Uncertain Significance.

NM_000064.4(C3):c.4900G>A (p.Glu1634Lys)

Gene: C3 (complement C3; minus strand). Cytogenetic location: 19p13.3.
Variant type: single nucleotide variant.
Coding change: c.4900G>A on transcript NM_000064.4 (MANE Select); coding-DNA position 4900, G replaced by A.
Protein change: p.Glu1634Lys; replaces glutamic acid 1634 with lysine.
Molecular consequence: missense variant.
Genome position (GRCh38, 1-based): chr19:6,677,974, C>T on the plus strand (G>A on the coding strand, the complement: C3 is on the minus strand). VCF-style: chr19-6677974-C-T. GRCh37 (hg19) VCF-style: chr19-6677985-C-T.
Other names: short protein forms E1634K.
Identifiers: ClinVar variation 1959092 (VCV001959092.5), dbSNP rs373087196, ClinGen allele CA9128201.